The following is an entry in ClinVar:

ClinVar aggregate classification (germline): Pathogenic (1 of 4 stars; one submission).

Submission:

Labcorp Genetics (formerly Invitae), Labcorp
Classification: Pathogenic. Last evaluated: 2024-02-11. Review status: criteria provided, single submitter. Criteria: Invitae Variant Classification Sherloc (09022015). Collection method: clinical testing. Allele origin: germline.
Comment: This sequence change creates a premature translational stop signal (p.Gly668Alafs*79) in the COL4A3 gene. It is expected to result in an absent or disrupted protein product. Loss-of-function variants in COL4A3 are known to be pathogenic (PMID: 8956999, 24854265, 26809805, 27281700). This variant is present in population databases (rs755235783, gnomAD 0.004%). This variant has not been reported in the literature in individuals affected with COL4A3-related conditions. ClinVar contains an entry for this variant (Variation ID: 1407693). Algorithms developed to predict the effect of sequence changes on RNA splicing suggest that this variant may disrupt the consensus splice site. For these reasons, this variant has been classified as Pathogenic.

Literature cited by the submitters: PubMed 8956999; PubMed 24854265; PubMed 26809805; PubMed 27281700.

NM_000091.5(COL4A3):c.2003del (p.Gly668fs)

Genes: COL4A3 (collagen type IV alpha 3 chain; plus strand), MFF-DT (MFF divergent transcript; minus strand). Cytogenetic location: 2q36.3.
Variant type: Deletion.
Coding change: c.2003del on transcript NM_000091.5 (MANE Select); coding-DNA position 2003, one base deleted (G; older notation c.2003delG).
Protein change: p.Gly668fs; shifts the reading frame from glycine 668.
Molecular consequence: frameshift variant.
Genome position (GRCh38, 1-based): chr2:227,276,460, G deleted; the last of 2 consecutive G bases (chr2:227,276,459-227,276,460); deleting either gives the same sequence. VCF-style (leftmost placement, unchanged base first): chr2-227276458-TG-T. GRCh37 (hg19) VCF-style: chr2-228141174-TG-T.
Other names: short protein forms G668fs.
Identifiers: ClinVar variation 1407693 (VCV001407693.6), dbSNP rs755235783, ClinGen allele CA2146821.